The following is an entry in ClinVar:

ClinVar aggregate classification (germline): Uncertain significance (1 of 4 stars; one submission).

Conditions:
Dyskeratosis congenita. Identifiers: Orphanet 1775, MedGen C0265965, MONDO:0015780.

Submission:

Ambry Genetics
Classification: Uncertain significance for Dyskeratosis congenita. Last evaluated: 2025-10-30. Review status: criteria provided, single submitter. Criteria: Ambry Variant Classification Scheme 2023. Collection method: clinical testing. Allele origin: germline.
Comment: The p.S344F variant (also known as c.1031C>T), located in coding exon 2 of the TERT gene, results from a C to T substitution at nucleotide position 1031. The serine at codon 344 is replaced by phenylalanine, an amino acid with highly dissimilar properties. This amino acid position is conserved. In addition, the in silico prediction for this alteration is inconclusive. Based on the available evidence, the clinical significance of this variant remains unclear.

NM_198253.3(TERT):c.1031C>T (p.Ser344Phe)

Gene: TERT (telomerase reverse transcriptase; minus strand). Cytogenetic location: 5p15.33.
Variant type: single nucleotide variant.
Coding change: c.1031C>T on transcript NM_198253.3 (MANE Select); coding-DNA position 1031, C replaced by T.
Protein change: p.Ser344Phe; replaces serine 344 with phenylalanine.
Molecular consequence: missense variant. On other transcripts: non-coding transcript variant (2).
Genome position (GRCh38, 1-based): chr5:1,293,855, G>A on the plus strand (C>T on the coding strand, the complement: TERT is on the minus strand). VCF-style: chr5-1293855-G-A. GRCh37 (hg19) VCF-style: chr5-1293970-G-A.
Other names: c.1031C>T, p.Ser344Phe (NM_001193376.3); short protein forms S344F.
Identifiers: ClinVar variation 4561737 (VCV004561737.1).